The following is an entry in ClinVar:

NM_003872.3(NRP2):c.2425+9707G>A

Gene: NRP2 (neuropilin 2; plus strand). Cytogenetic location: 2q33.3.
Variant type: single nucleotide variant.
Coding change: c.2425+9707G>A on transcript NM_003872.3 (MANE Select); 9707 bases into the intron after coding-DNA position 2425, G replaced by A.
Molecular consequence: intron variant. On other transcripts: missense variant (2).
Genome position (GRCh38, 1-based): chr2:205,776,510, G>A. VCF-style: chr2-205776510-G-A. GRCh37 (hg19) VCF-style: chr2-206641234-G-A.
Other names: c.2440+9692G>A (NM_201266.2); c.2425+9707G>A (NM_201279.2); c.2705G>A, p.Arg902His (NM_018534.4); c.2690G>A, p.Arg897His (NM_201267.2); short protein forms R897H, R902H.
Identifiers: ClinVar variation 2634655 (VCV002634655.24), dbSNP rs910717989, ClinGen allele CA64397214.

ClinVar aggregate classification (germline): Conflicting classifications of pathogenicity. Review status: criteria provided, conflicting classifications (1 of 4 stars). 2 submissions from 2 submitters: Uncertain significance (1); Likely benign (1). Last evaluated 2026-07-14.

Conditions:
NRP2-related disorder. Also called: NRP2-related condition.

Allele frequency attached by ClinVar (database versions not stated): TOPMed 0.00002; gnomAD 0.00003.
gnomAD v4.1: 23 of 1,606,430 alleles (0.0014%); highest among the groups gnomAD compares: Admixed American, 0.0067%; no homozygotes.

Submissions (2):

PreventionGenetics, part of Exact Sciences
Classification: Uncertain significance for NRP2-related condition. Last evaluated: 2026-07-14. Review status: criteria provided, single submitter. Criteria: ACMG Guidelines, 2015. Collection method: clinical testing. Allele origin: germline.
Comment: The NRP2 c.2690G>A variant is predicted to result in the amino acid substitution p.Arg897His. This variant is located in the terminal exon of a transcript with questionable biological relevance. In the primary/HGMD transcript, this variant is located in an intron (NM_201266.1:c.2440+9692G>A). To our knowledge, this variant has not been reported in the literature or in a large population database (gnomAD), indicating this variant is rare. Although we suspect this variant is benign, at this time, the clinical significance of this variant is uncertain due to the absence of conclusive functional and genetic evidence.

CeGaT Center for Human Genetics Tuebingen
Classification: Likely benign. Last evaluated: 2024-01-01. Review status: criteria provided, single submitter. Criteria: CeGaT Center For Human Genetics Tuebingen Variant Classification Criteria Version 2. Collection method: clinical testing. Allele origin: germline. Affected: yes. Observed: 1 variant allele.
Comment: NRP2: BP4